The following is an entry in ClinVar:

ClinVar aggregate classification (germline): Likely pathogenic (1 of 4 stars; one submission).

Submission:

Labcorp Genetics (formerly Invitae), Labcorp
Classification: Likely pathogenic. Last evaluated: 2025-08-03. Review status: criteria provided, single submitter. Criteria: Invitae Variant Classification Sherloc (09022015). Collection method: clinical testing. Allele origin: germline.
Comment: This sequence change affects an acceptor splice site in intron 27 of the DOCK6 gene. It is expected to disrupt RNA splicing. Variants that disrupt the donor or acceptor splice site typically lead to a loss of protein function (PMID: 16199547), and loss-of-function variants in DOCK6 are known to be pathogenic (PMID: 21820096, 25824905). This variant is not present in population databases (gnomAD no frequency). This variant has not been reported in the literature in individuals affected with DOCK6-related conditions. Algorithms developed to predict the effect of sequence changes on RNA splicing suggest that this variant may disrupt the consensus splice site. In summary, the currently available evidence indicates that the variant is pathogenic, but additional data are needed to prove that conclusively. Therefore, this variant has been classified as Likely Pathogenic.

Literature cited by the submitters: PubMed 16199547; PubMed 21820096; PubMed 25824905.

NM_020812.4(DOCK6):c.3381-1G>A

Gene: DOCK6 (dedicator of cytokinesis 6; minus strand). Cytogenetic location: 19p13.2.
Variant type: single nucleotide variant.
Coding change: c.3381-1G>A on transcript NM_020812.4 (MANE Select); the canonical splice acceptor site of the intron before coding-DNA position 3381, G replaced by A.
Molecular consequence: splice acceptor variant.
Genome position (GRCh38, 1-based): chr19:11,222,021, C>T on the plus strand (G>A on the coding strand, the complement: DOCK6 is on the minus strand). VCF-style: chr19-11222021-C-T. GRCh37 (hg19) VCF-style: chr19-11332697-C-T.
Other names: c.3486-1G>A (NM_001367830.1).
Identifiers: ClinVar variation 4711679 (VCV004711679.1).
Genomic context (GRCh38, chr19:11,222,021, plus strand): 5'-TCATGGCCACATAGCAGGCTGTGCACAGCACTGATGGCCTTCTTGTGCAACAGGAATGCC[C>T]TATGGGGTAATGAGGTGCTCAGGACAGGGTGGACATGGCTCCTGGACTGTCCCACCTGTC-3'